The following is an entry in ClinVar:

ClinVar aggregate classification (germline): Uncertain significance (1 of 4 stars; one submission).

Allele frequency attached by ClinVar (database versions not stated): gnomAD 0.00001; gnomAD exomes 0.00001; TOPMed 0.00001.
gnomAD v4.1: 4 of 1,613,980 alleles (0.00025%); highest among the groups gnomAD compares: Admixed American, 0.0067%; no homozygotes.

Submission:

Labcorp Genetics (formerly Invitae), Labcorp
Classification: Uncertain significance. Last evaluated: 2022-01-19. Review status: criteria provided, single submitter. Criteria: Invitae Variant Classification Sherloc (09022015). Collection method: clinical testing. Allele origin: germline.
Comment: This sequence change replaces methionine, which is neutral and non-polar, with isoleucine, which is neutral and non-polar, at codon 497 of the ASNS protein (p.Met497Ile). This variant is present in population databases (no rsID available, gnomAD 0.006%). This variant has not been reported in the literature in individuals affected with ASNS-related conditions. Algorithms developed to predict the effect of missense changes on protein structure and function (SIFT, PolyPhen-2, Align-GVGD) all suggest that this variant is likely to be tolerated. In summary, the available evidence is currently insufficient to determine the role of this variant in disease. Therefore, it has been classified as a Variant of Uncertain Significance.

NM_001673.5(ASNS):c.1491G>A (p.Met497Ile)

Genes: ASNS (asparagine synthetase (glutamine-hydrolyzing); minus strand), CZ1P-ASNS (CZ1P-ASNS readthrough; minus strand). Cytogenetic location: 7q21.3.
Variant type: single nucleotide variant.
Coding change: c.1491G>A on transcript NM_001673.5 (MANE Select); coding-DNA position 1491, G replaced by A.
Protein change: p.Met497Ile; replaces methionine 497 with isoleucine.
Molecular consequence: missense variant. On other transcripts: non-coding transcript variant (1).
Genome position (GRCh38, 1-based): chr7:97,852,454, C>T on the plus strand (G>A on the coding strand, the complement: ASNS is on the minus strand). VCF-style: chr7-97852454-C-T. GRCh37 (hg19) VCF-style: chr7-97481766-C-T.
Other names: c.1428G>A, p.Met476Ile (NM_001178075.2); c.1242G>A, p.Met414Ile (NM_001178076.2, NM_001178077.1); c.1491G>A, p.Met497Ile (NM_001352496.2, NM_133436.3, NM_183356.4); short protein forms M476I, M414I, M497I.
Identifiers: ClinVar variation 1371313 (VCV001371313.3), dbSNP rs1324747469, ClinGen allele CA368264371.